The following is an entry in ClinVar:

ClinVar aggregate classification (germline): Conflicting classifications of pathogenicity. Review status: criteria provided, conflicting classifications (1 of 4 stars). 6 submissions from 6 submitters: Uncertain significance (5); Likely benign (1). Last evaluated 2026-02-11.

Conditions:
Cardiovascular phenotype. Identifiers: MedGen CN230736.
Cardiomyopathy (CMYO). Also called: Cardiomyopathies. Identifiers: Orphanet 167848, MedGen C0878544, MONDO:0004994, HP:0001638. Inheritance: Various modes of inheritance.
Familial isolated arrhythmogenic right ventricular dysplasia. Identifiers: Orphanet 217656, MedGen C4274968, MONDO:0016342.
Arrhythmogenic right ventricular dysplasia 11. Also called: ARRHYTHMOGENIC RIGHT VENTRICULAR DYSPLASIA, FAMILIAL, 11; Arrhythmogenic Right Ventricular Dysplasia/Cardiomyopathy11; Arrhythmogenic right ventricular dysplasia 11 with mild palmoplantar keratoderma and woolly hair. Identifiers: MedGen C1864850, MONDO:0012506, OMIM 610476.

Allele frequency attached by ClinVar (database versions not stated): gnomAD 0.00001; gnomAD exomes 0.00001; ExAC 0.00001; TOPMed 0.00002.
gnomAD v4.1: 60 of 1,613,776 alleles (0.0037%); highest among the groups gnomAD compares: Non-Finnish European, 0.0048%; no homozygotes.

Submissions (6):

Ambry Genetics
Classification: Likely benign for Cardiovascular phenotype. Last evaluated: 2026-02-11. Review status: criteria provided, single submitter. Criteria: Ambry Variant Classification Scheme 2023. Collection method: clinical testing. Allele origin: germline.

Labcorp Genetics (formerly Invitae), Labcorp
Classification: Uncertain significance for Arrhythmogenic right ventricular dysplasia 11. Last evaluated: 2025-12-09. Review status: criteria provided, single submitter. Criteria: Invitae Variant Classification Sherloc (09022015). Collection method: clinical testing. Allele origin: germline.
Comment: This sequence change replaces isoleucine, which is neutral and non-polar, with valine, which is neutral and non-polar, at codon 565 of the DSC2 protein (p.Ile565Val). This variant is present in population databases (rs780712159, gnomAD 0.002%). This missense change has been observed in individual(s) with sudden death and arrhythmogenic right ventricular cardiomyopathy (PMID: 27000522). ClinVar contains an entry for this variant (Variation ID: 922920). Invitae Evidence Modeling of protein sequence and biophysical properties (such as structural, functional, and spatial information, amino acid conservation, physicochemical variation, residue mobility, and thermodynamic stability) indicates that this missense variant is not expected to disrupt DSC2 protein function with a negative predictive value of 80%. In summary, the available evidence is currently insufficient to determine the role of this variant in disease. Therefore, it has been classified as a Variant of Uncertain Significance.

GeneDx
Classification: Uncertain significance. Last evaluated: 2024-09-10. Review status: criteria provided, single submitter. Criteria: GeneDx Variant Classification Process June 2021. Collection method: clinical testing. Allele origin: germline. Affected: yes.
Comment: Identified in a patient with sudden cardiac death with evidence of ARVC on autopsy (PMID: 27000522); Not observed at significant frequency in large population cohorts (gnomAD); In silico analysis indicates that this missense variant does not alter protein structure/function; This variant is associated with the following publications: (PMID: 27000522)

All of Us Research Program, National Institutes of Health
Classification: Uncertain significance for Familial isolated arrhythmogenic right ventricular dysplasia. Last evaluated: 2024-08-06. Review status: criteria provided, single submitter. Criteria: ACMG Guidelines, 2015. Collection method: clinical testing. Allele origin: germline. Inheritance: Autosomal dominant inheritance. Observed: 7 variant alleles, 7 heterozygotes.
Comment: This missense variant replaces isoleucine with valine at codon 565 of the DSC2 protein. Computational prediction suggests that this variant may not impact protein structure and function (internally defined REVEL score threshold <= 0.5, PMID: 27666373). To our knowledge, functional studies have not been reported for this variant. This variant has been reported in an individual affected with arrhythmogenic right ventricular cardiomyopathy and sudden cardiac death (PMID: 27000522). This variant has been identified in 3/250746 chromosomes in the general population by the Genome Aggregation Database (gnomAD). The available evidence is insufficient to determine the role of this variant in disease conclusively. Therefore, this variant is classified as a Variant of Uncertain Significance.

This study involves interpretation of variants in research participants for the purpose of population health screening. Participant phenotype was not available at the time of variant classification. Additional details can be found in publication PMID: 35346344, PMCID: PMC8962531

Color Diagnostics, LLC DBA Color Health
Classification: Uncertain significance for Cardiomyopathy. Last evaluated: 2024-07-15. Review status: criteria provided, single submitter. Criteria: ACMG Guidelines, 2015. Collection method: clinical testing. Allele origin: germline.
Comment: This missense variant replaces isoleucine with valine at codon 565 of the DSC2 protein. Computational prediction suggests that this variant may not impact protein structure and function (internally defined REVEL score threshold <= 0.5, PMID: 27666373). To our knowledge, functional studies have not been reported for this variant. This variant has been reported in an individual affected with arrhythmogenic right ventricular cardiomyopathy and sudden cardiac death (PMID: 27000522). This variant has been identified in 3/250746 chromosomes in the general population by the Genome Aggregation Database (gnomAD). The available evidence is insufficient to determine the role of this variant in disease conclusively. Therefore, this variant is classified as a Variant of Uncertain Significance.

Fulgent Genetics
Classification: Uncertain significance for Arrhythmogenic right ventricular dysplasia 11. Last evaluated: 2021-10-30. Review status: criteria provided, single submitter. Criteria: ACMG Guidelines, 2015. Collection method: clinical testing. Allele origin: unknown.

Literature cited by the submitters: PubMed 27000522 (cited by 4 submitters).

NM_024422.6(DSC2):c.1693A>G (p.Ile565Val)

Gene: DSC2 (desmocollin 2; minus strand). Cytogenetic location: 18q12.1.
Variant type: single nucleotide variant.
Coding change: c.1693A>G on transcript NM_024422.6 (MANE Select); coding-DNA position 1693, A replaced by G.
Protein change: p.Ile565Val; replaces isoleucine 565 with valine.
Molecular consequence: missense variant.
Genome position (GRCh38, 1-based): chr18:31,074,878, T>C on the plus strand (A>G on the coding strand, the complement: DSC2 is on the minus strand). VCF-style: chr18-31074878-T-C. GRCh37 (hg19) VCF-style: chr18-28654844-T-C.
Other names: c.1693A>G, p.Ile565Val (NM_004949.5); short protein forms I565V.
Identifiers: ClinVar variation 922920 (VCV000922920.14), dbSNP rs780712159, ClinGen allele CA032811.